The following is an entry in ClinVar:

ClinVar aggregate classification (germline): Uncertain significance. Review status: criteria provided, multiple submitters, no conflicts (2 of 4 stars). 2 submissions from 2 submitters: Uncertain significance (2). Last evaluated 2021-08-28.

Conditions:
Cardiovascular phenotype. Identifiers: MedGen CN230736.
Alstrom syndrome (ALMS). Identifiers: Orphanet 64, MedGen C0268425, MONDO:0008763, OMIM 203800.

Allele frequency attached by ClinVar (database versions not stated): gnomAD exomes below 0.00001; TOPMed below 0.00001.
gnomAD v4.1: 6 of 1,614,058 alleles (0.00037%); highest among the groups gnomAD compares: Non-Finnish European, 0.00042%; no homozygotes.

Submissions (2):

Labcorp Genetics (formerly Invitae), Labcorp
Classification: Uncertain significance for Alstrom syndrome. Last evaluated: 2021-08-28. Review status: criteria provided, single submitter. Criteria: Invitae Variant Classification Sherloc (09022015). Collection method: clinical testing. Allele origin: germline.

Ambry Genetics
Classification: Uncertain significance for Cardiovascular phenotype. Last evaluated: 2020-12-18. Review status: criteria provided, single submitter. Criteria: Ambry Variant Classification Scheme 2023. Collection method: clinical testing. Allele origin: germline.
Comment: The p.Q1840E variant (also known as c.5518C>G), located in coding exon 8 of the ALMS1 gene, results from a C to G substitution at nucleotide position 5518. The glutamine at codon 1840 is replaced by glutamic acid, an amino acid with highly similar properties. This amino acid position is not well conserved in available vertebrate species. In addition, this alteration is predicted to be tolerated by in silico analysis. Since supporting evidence is limited at this time, the clinical significance of this alteration remains unclear.

NM_001378454.1(ALMS1):c.5515C>G (p.Gln1839Glu)

Gene: ALMS1 (ALMS1 centrosome and basal body associated protein; plus strand). Cytogenetic location: 2p13.1.
Variant type: single nucleotide variant.
Coding change: c.5515C>G on transcript NM_001378454.1 (MANE Select); coding-DNA position 5515, C replaced by G.
Protein change: p.Gln1839Glu; replaces glutamine 1839 with glutamic acid.
Molecular consequence: missense variant.
Genome position (GRCh38, 1-based): chr2:73,452,042, C>G. VCF-style: chr2-73452042-C-G. GRCh37 (hg19) VCF-style: chr2-73679169-C-G.
Other names: c.5518C>G, p.Gln1840Glu (NM_015120.4); short protein forms Q1840E, Q1839E.
Identifiers: ClinVar variation 846907 (VCV000846907.6), dbSNP rs1252756270, ClinGen allele CA347282386.